The following is an entry in ClinVar:

NM_000059.4(BRCA2):c.1576G>A (p.Asp526Asn)

Gene: BRCA2 (BRCA2 DNA repair associated; plus strand). Cytogenetic location: 13q13.1.
Variant type: single nucleotide variant.
Coding change: c.1576G>A on transcript NM_000059.4 (MANE Select); coding-DNA position 1576, G replaced by A.
Protein change: p.Asp526Asn; replaces aspartic acid 526 with asparagine.
Molecular consequence: missense variant. On other transcripts: non-coding transcript variant (1), intron variant (1).
Genome position (GRCh38, 1-based): chr13:32,333,054, G>A. VCF-style: chr13-32333054-G-A. GRCh37 (hg19) VCF-style: chr13-32907191-G-A.
Other names: c.1576G>A, p.Asp526Asn (NM_001406719.1, NM_001406720.1, NM_001406721.1 and 1 more transcripts); c.424+2024G>A (NM_001406722.1); short protein forms D526N.
Identifiers: ClinVar variation 3636428 (VCV003636428.2).

ClinVar aggregate classification (germline): Uncertain significance (1 of 4 stars; one submission).

Conditions:
Hereditary breast ovarian cancer syndrome. Also called: Hereditary breast and ovarian cancer syndrome; Hereditary breast and ovarian cancer syndrome (HBOC); BRCA1- and BRCA2-Associated Hereditary Breast and Ovarian Cancer; Hereditary breast and ovarian cancer; Breast and ovarian cancer; Hereditary breast and/or ovarian cancer syndrome. Identifiers: Orphanet 145, MedGen C0677776, MeSH D061325, MONDO:0003582. Disease mechanism: loss of function.

Submission:

Labcorp Genetics (formerly Invitae), Labcorp
Classification: Uncertain significance for Hereditary breast ovarian cancer syndrome. Last evaluated: 2024-09-25. Review status: criteria provided, single submitter. Criteria: Invitae Variant Classification Sherloc (09022015). Collection method: clinical testing. Allele origin: germline.
Comment: This sequence change replaces aspartic acid, which is acidic and polar, with asparagine, which is neutral and polar, at codon 526 of the BRCA2 protein (p.Asp526Asn). This variant is not present in population databases (gnomAD no frequency). This variant has not been reported in the literature in individuals affected with BRCA2-related conditions. Invitae Evidence Modeling of protein sequence and biophysical properties (such as structural, functional, and spatial information, amino acid conservation, physicochemical variation, residue mobility, and thermodynamic stability) indicates that this missense variant is not expected to disrupt BRCA2 protein function with a negative predictive value of 95%. In summary, the available evidence is currently insufficient to determine the role of this variant in disease. Therefore, it has been classified as a Variant of Uncertain Significance.